The following is an entry in ClinVar:

NM_000784.4(CYP27A1):c.189A>G (p.Leu63=)

Gene: CYP27A1 (cytochrome P450 family 27 subfamily A member 1; plus strand). Cytogenetic location: 2q35.
Variant type: single nucleotide variant.
Coding change: c.189A>G on transcript NM_000784.4 (MANE Select); coding-DNA position 189, A replaced by G.
Protein change: p.Leu63=; no amino-acid change (leucine 63 retained).
Molecular consequence: synonymous variant.
Genome position (GRCh38, 1-based): chr2:218,782,371, A>G. VCF-style: chr2-218782371-A-G. GRCh37 (hg19) VCF-style: chr2-219647094-A-G.
Other names: c.189A>G (NM_000784.3).
Identifiers: ClinVar variation 4755053 (VCV004755053.2).
Genomic context (GRCh38, chr2:218,782,371, plus strand): 5'-TCCCGGAGCCGGGCCTGGTGTCCGGCGGCGGCAACGGAGCTTAGAGGAGATTCCACGTCT[A>G]GGACAGCTGCGCTTCTTCTTTCAGCTGTTCGTTCAAGGCTATGCCCTGCAACTGCACCAG-3'
Protein context (NP_000775.1, residues 53-73): RQRSLEEIPR[Leu63=]GQLRFFFQLF

ClinVar aggregate classification (germline): Likely benign. Review status: criteria provided, multiple submitters, no conflicts (2 of 4 stars). 2 submissions from 2 submitters: Likely benign (2). Last evaluated 2026-02-24.

Conditions:
Cholestanol storage disease (CTX). Also called: Cerebrotendinous Xanthomatosis; CTX: Cerebrotendinous xanthomatosis; CEREBRAL CHOLESTERINOSIS. Identifiers: Orphanet 909, MedGen C0238052, MONDO:0008948, OMIM 213700.
CYP27A1-related disorder. Also called: CYP27A1-related condition.

gnomAD v4.1: 1 of 1,614,176 alleles (0.000062%); highest among the groups gnomAD compares: Non-Finnish European, 0.000085%; no homozygotes.

Submissions (2):

PreventionGenetics, part of Exact Sciences
Classification: Likely benign for CYP27A1-related condition. Last evaluated: 2026-02-24. Review status: criteria provided, single submitter. Criteria: ACMG Guidelines, 2015. Collection method: clinical testing. Allele origin: germline.
Comment: This variant is classified as likely benign based on ACMG/AMP sequence variant interpretation guidelines (Richards et al. 2015 PMID: 25741868, with internal and published modifications).

Labcorp Genetics (formerly Invitae), Labcorp
Classification: Likely benign for Cholestanol storage disease. Last evaluated: 2026-01-14. Review status: criteria provided, single submitter. Criteria: Invitae Variant Classification Sherloc (09022015). Collection method: clinical testing. Allele origin: germline.